The following is an entry in ClinVar:

NM_000083.3(CLCN1):c.1096G>A (p.Val366Met)

Gene: CLCN1 (chloride voltage-gated channel 1; plus strand). Cytogenetic location: 7q34.
Variant type: single nucleotide variant.
Coding change: c.1096G>A on transcript NM_000083.3 (MANE Select); coding-DNA position 1096, G replaced by A.
Protein change: p.Val366Met; replaces valine 366 with methionine.
Molecular consequence: missense variant. On other transcripts: non-coding transcript variant (1).
Genome position (GRCh38, 1-based): chr7:143,331,582, G>A. VCF-style: chr7-143331582-G-A. GRCh37 (hg19) VCF-style: chr7-143028675-G-A.
Other names: short protein forms V366M.
Identifiers: ClinVar variation 4983447 (VCV004983447.1).
Genomic context (GRCh38, chr7:143,331,582, plus strand): 5'-GATTCCAACTCTATAAATTACACCCTCAGGATTTGCTGTGGGCTCCTGGGAGCTGTATTT[G>A]TGTATCTGCATCGCCAAGTCATGCTCGGTGTCCGAAAGCACAAGGCCCTCAGCCAGTTTC-3'
Protein context (NP_000074.3, residues 356-376): ICCGLLGAVF[Val366Met]YLHRQVMLGV

ClinVar aggregate classification (germline): Uncertain significance (1 of 4 stars; one submission).

Conditions:
CLCN1-related disorder. Also called: CLCN1-related condition.

Submission:

PreventionGenetics, part of Exact Sciences
Classification: Uncertain significance for CLCN1-related condition. Last evaluated: 2025-01-03. Review status: criteria provided, single submitter. Criteria: ACMG Guidelines, 2015. Collection method: clinical testing. Allele origin: germline.
Comment: The CLCN1 c.1096G>A variant is predicted to result in the amino acid substitution p.Val366Met. To our knowledge, this variant has not been reported in the literature or in a large population database (gnomAD), indicating this variant is rare. At this time, the clinical significance of this variant is uncertain due to the absence of conclusive functional and genetic evidence.